The following is an entry in ClinVar:

ClinVar aggregate classification (germline): Uncertain significance. Review status: criteria provided, multiple submitters, no conflicts (2 of 4 stars). 2 submissions from 2 submitters: Uncertain significance (2). Last evaluated 2024-09-08.

Conditions:
Inborn genetic diseases. Identifiers: MedGen C0950123, MeSH D030342.

Allele frequency attached by ClinVar (database versions not stated): gnomAD 0.00001; gnomAD exomes 0.00001; TOPMed 0.00001.
gnomAD v4.1: 12 of 1,613,426 alleles (0.00074%); highest among the groups gnomAD compares: Non-Finnish European, 0.00076%; no homozygotes.

Submissions (2):

Ambry Genetics
Classification: Uncertain significance for Inborn genetic diseases. Last evaluated: 2024-09-08. Review status: criteria provided, single submitter. Criteria: Ambry Variant Classification Scheme 2023. Collection method: clinical testing. Allele origin: germline.

Labcorp Genetics (formerly Invitae), Labcorp
Classification: Uncertain significance. Last evaluated: 2022-07-26. Review status: criteria provided, single submitter. Criteria: Invitae Variant Classification Sherloc (09022015). Collection method: clinical testing. Allele origin: germline.
Comment: This sequence change replaces glycine, which is neutral and non-polar, with alanine, which is neutral and non-polar, at codon 664 of the COL11A1 protein (p.Gly664Ala). This variant is not present in population databases (gnomAD no frequency). This variant has not been reported in the literature in individuals affected with COL11A1-related conditions. Advanced modeling of protein sequence and biophysical properties (such as structural, functional, and spatial information, amino acid conservation, physicochemical variation, residue mobility, and thermodynamic stability) performed at Invitae indicates that this missense variant is expected to disrupt COL11A1 protein function. In summary, the available evidence is currently insufficient to determine the role of this variant in disease. Therefore, it has been classified as a Variant of Uncertain Significance.

NM_001854.4(COL11A1):c.1991G>C (p.Gly664Ala)

Gene: COL11A1 (collagen type XI alpha 1 chain; minus strand). Cytogenetic location: 1p21.1.
Variant type: single nucleotide variant.
Coding change: c.1991G>C on transcript NM_001854.4 (MANE Select); coding-DNA position 1991, G replaced by C.
Protein change: p.Gly664Ala; replaces glycine 664 with alanine.
Molecular consequence: missense variant. On other transcripts: non-coding transcript variant (1).
Genome position (GRCh38, 1-based): chr1:103,003,222, C>G on the plus strand (G>C on the coding strand, the complement: COL11A1 is on the minus strand). VCF-style: chr1-103003222-C-G. GRCh37 (hg19) VCF-style: chr1-103468778-C-G.
Other names: c.1643G>C, p.Gly548Ala (NM_001168249.1, NM_080630.4); c.1874G>C, p.Gly625Ala (NM_001190709.2); c.2027G>C, p.Gly676Ala (NM_080629.3); c.1991G>C (NM_001854.3); short protein forms G676A, G548A, G625A, G664A.
Identifiers: ClinVar variation 1912911 (VCV001912911.6), dbSNP rs1432891693, ClinGen allele CA341171635.